The following is an entry in ClinVar:

ClinVar aggregate classification (germline): Uncertain significance (1 of 4 stars; one submission).

Conditions:
Dyskeratosis congenita, autosomal recessive 6 (DKCB6). Identifiers: MedGen C4225356, MONDO:0014600, OMIM 616353.
Pulmonary fibrosis and/or bone marrow failure, Telomere-related, 4. Also called: PULMONARY FIBROSIS AND/OR BONE MARROW FAILURE SYNDROME, TELOMERE-RELATED, 4. Identifiers: Orphanet 2032, MedGen C4225347, MONDO:0014612, OMIM 616371.

Allele frequency attached by ClinVar (database versions not stated): gnomAD exomes below 0.00001.
gnomAD v4.1: 1 of 1,613,624 alleles (0.000062%); highest among the groups gnomAD compares: Admixed American, 0.0017%; no homozygotes.

Submission:

Labcorp Genetics (formerly Invitae), Labcorp
Classification: Uncertain significance for Dyskeratosis congenita, autosomal recessive 6; Pulmonary fibrosis and/or bone marrow failure, Telomere-related, 4. Last evaluated: 2024-07-29. Review status: criteria provided, single submitter. Criteria: Invitae Variant Classification Sherloc (09022015). Collection method: clinical testing. Allele origin: germline.
Comment: This sequence change replaces phenylalanine, which is neutral and non-polar, with leucine, which is neutral and non-polar, at codon 24 of the PARN protein (p.Phe24Leu). This variant is not present in population databases (gnomAD no frequency). This variant has not been reported in the literature in individuals affected with PARN-related conditions. ClinVar contains an entry for this variant (Variation ID: 2183905). Advanced modeling of protein sequence and biophysical properties (such as structural, functional, and spatial information, amino acid conservation, physicochemical variation, residue mobility, and thermodynamic stability) performed at Invitae indicates that this missense variant is expected to disrupt PARN protein function with a positive predictive value of 80%. In summary, the available evidence is currently insufficient to determine the role of this variant in disease. Therefore, it has been classified as a Variant of Uncertain Significance.

NM_002582.4(PARN):c.70T>C (p.Phe24Leu)

Gene: PARN (poly(A)-specific ribonuclease; minus strand). Cytogenetic location: 16p13.12.
Variant type: single nucleotide variant.
Coding change: c.70T>C on transcript NM_002582.4 (MANE Select); coding-DNA position 70, T replaced by C.
Protein change: p.Phe24Leu; replaces phenylalanine 24 with leucine.
Molecular consequence: missense variant. On other transcripts: 5 prime UTR variant (1).
Genome position (GRCh38, 1-based): chr16:14,629,624, A>G on the plus strand (T>C on the coding strand, the complement: PARN is on the minus strand). VCF-style: chr16-14629624-A-G. GRCh37 (hg19) VCF-style: chr16-14723481-A-G.
Other names: c.-114T>C (NM_001134477.3); c.70T>C, p.Phe24Leu (NM_001242992.2); short protein forms F24L.
Identifiers: ClinVar variation 2183905 (VCV002183905.4), dbSNP rs2508659334, ClinGen allele CA394818222.